The following is an entry in ClinVar:

ClinVar aggregate classification (germline): Uncertain significance (1 of 4 stars; one submission).

Submission:

GeneDx
Classification: Uncertain significance. Last evaluated: 2026-04-20. Review status: criteria provided, single submitter. Criteria: GeneDx Variant Classification Process June 2021. Collection method: clinical testing. Allele origin: germline.
Comment: Not observed at significant frequency in large population cohorts (gnomAD); In silico analysis supports that this missense variant has a deleterious effect on protein structure/function; Has not been previously published as pathogenic or benign to our knowledge

NM_001256012.3(MYH10):c.4621C>G (p.Arg1541Gly)

Gene: MYH10 (myosin heavy chain 10; minus strand). Cytogenetic location: 17p13.1.
Variant type: single nucleotide variant.
Coding change: c.4621C>G on transcript NM_001256012.3 (MANE Select); coding-DNA position 4621, C replaced by G.
Protein change: p.Arg1541Gly; replaces arginine 1541 with glycine.
Molecular consequence: missense variant.
Genome position (GRCh38, 1-based): chr17:8,492,347, G>C on the plus strand (C>G on the coding strand, the complement: MYH10 is on the minus strand). VCF-style: chr17-8492347-G-C. GRCh37 (hg19) VCF-style: chr17-8395665-G-C.
Other names: c.4555C>G, p.Arg1519Gly (NM_001256095.2); c.4558C>G, p.Arg1520Gly (NM_001375266.1); c.4528C>G, p.Arg1510Gly (NM_005964.5); short protein forms R1510G, R1519G, R1520G, R1541G.
Identifiers: ClinVar variation 5037419 (VCV005037419.1).